The following is an entry in ClinVar:

NM_001267550.2(TTN):c.56792G>A (p.Trp18931Ter)

Genes: TTN (titin; minus strand), TTN-AS1 (TTN antisense RNA 1; plus strand). Cytogenetic location: 2q31.2.
Variant type: single nucleotide variant.
Coding change: c.56792G>A on transcript NM_001267550.2 (MANE Select); coding-DNA position 56792, G replaced by A.
Protein change: p.Trp18931Ter; replaces tryptophan 18931 with a stop codon.
Molecular consequence: nonsense.
Genome position (GRCh38, 1-based): chr2:178,598,918, C>T on the plus strand (G>A on the coding strand, the complement: TTN is on the minus strand). VCF-style: chr2-178598918-C-T. GRCh37 (hg19) VCF-style: chr2-179463645-C-T.
Other names: c.51869G>A, p.Trp17290Ter (NM_001256850.1); c.29597G>A, p.Trp9866Ter (NM_003319.4); c.49088G>A, p.Trp16363Ter (NM_133378.4); c.29972G>A, p.Trp9991Ter (NM_133432.3); c.30173G>A, p.Trp10058Ter (NM_133437.4); short protein forms W18931*, W9991*, W16363*, W9866*, W10058*, W17290*.
Identifiers: ClinVar variation 405009 (VCV000405009.13), dbSNP rs1060500526, ClinGen allele CA16610352.

ClinVar aggregate classification (germline): Likely pathogenic. Review status: criteria provided, multiple submitters, no conflicts (2 of 4 stars). 2 submissions from 2 submitters: Likely pathogenic (2). Last evaluated 2025-05-07.

Conditions:
Cardiovascular phenotype. Identifiers: MedGen CN230736.
Dilated cardiomyopathy 1G (CMD1G). Identifiers: Orphanet 154, MedGen C1858763, MONDO:0011400, OMIM 604145.
Autosomal recessive limb-girdle muscular dystrophy type 2J (LGMDR10). Also called: Limb-girdle muscular dystrophy, type 2J; MUSCULAR DYSTROPHY, LIMB-GIRDLE, AUTOSOMAL RECESSIVE 10. Identifiers: Orphanet 140922, MedGen C1837342, MONDO:0012127, OMIM 608807.

Submissions (2):

Ambry Genetics
Classification: Likely pathogenic for Cardiovascular phenotype. Last evaluated: 2025-05-07. Review status: criteria provided, single submitter. Criteria: Ambry Variant Classification Scheme 2023. Collection method: clinical testing. Allele origin: germline.
Comment: The p.W9866* variant (also known as c.29597G>A), located in coding exon 118 of the TTN gene, results from a G to A substitution at nucleotide position 29597. This changes the amino acid from a tryptophan to a stop codon within coding exon 118. This exon is located in the A-band region of the N2-B isoform of the titin protein and is constitutively expressed in TTN transcripts (percent spliced in or PSI 100%). This variant is considered to be rare based on population cohorts in the Genome Aggregation Database (gnomAD). This variant is expected to result in loss of function by premature protein truncation or nonsense-mediated mRNA decay. While truncating variants in TTN are present in 1-3% of the general population, truncating variants in the A-band are the most common cause of dilated cardiomyopathy (Herman DS et al. N. Engl. J. Med., 2012 Feb;366:619-28; Roberts AM et al. Sci Transl Med, 2015 Jan;7:270ra6). TTN truncating variants encoded in constitutive exons (PSI >90%) have been found to be significantly associated with DCM regardless of their position in titin (Schafer S et al. Nat. Genet., 2017 01;49:46-53; Akhtar MM et al. Circ Heart Fail, 2020 Oct;13:e006832; Massier M et al. Clin Genet, 2025 Jan). Based on the majority of available evidence to date, this variant is likely to be pathogenic.

Labcorp Genetics (formerly Invitae), Labcorp
Classification: Likely pathogenic for Dilated cardiomyopathy 1G; Autosomal recessive limb-girdle muscular dystrophy type 2J. Last evaluated: 2024-07-26. Review status: criteria provided, single submitter. Criteria: Invitae Variant Classification Sherloc (09022015). Collection method: clinical testing. Allele origin: germline.
Comment: This sequence change creates a premature translational stop signal (p.Trp18931*) in the TTN gene. While this is not anticipated to result in nonsense mediated decay, it is expected to create a truncated TTN protein. This variant is not present in population databases (gnomAD no frequency). This variant has not been reported in the literature in individuals affected with TTN-related conditions. ClinVar contains an entry for this variant (Variation ID: 405009). This variant is located in the A band of TTN (PMID: 25589632). Truncating variants in this region are significantly overrepresented in patients affected with dilated cardiomyopathy (PMID: 25589632). Truncating variants in this region have also been reported in individuals affected with autosomal recessive centronuclear myopathy (PMID: 23975875). In summary, the currently available evidence indicates that the variant is pathogenic, but additional data are needed to prove that conclusively. Therefore, this variant has been classified as Likely Pathogenic.

Literature cited by the submitters: PubMed 25589632 (cited by Labcorp Genetics (formerly Invitae), Labcorp); PubMed 23975875 (cited by Labcorp Genetics (formerly Invitae), Labcorp).